The following is an entry in ClinVar:

ClinVar aggregate classification (germline): Uncertain significance. Review status: criteria provided, multiple submitters, no conflicts (2 of 4 stars). 4 submissions from 4 submitters: Uncertain significance (4). Last evaluated 2024-05-28.

Conditions:
Acrocallosal syndrome (ACLS). Also called: Schinzel syndrome 1; Absence of corpus callosum with unusual facial appearance, mental deficiency, duplication of the halluces and polydactyly; HALLUX DUPLICATION, POSTAXIAL POLYDACTYLY, AND ABSENCE OF CORPUS CALLOSUM. Identifiers: Orphanet 36, MedGen C0796147, MONDO:0008708, OMIM 200990.
Multiple epiphyseal dysplasia, Al-Gazali type. Also called: Macrocephaly with multiple epiphyseal dysplasia and distinctive facies. Identifiers: Orphanet 166024, MedGen C1846722, MONDO:0011778, OMIM 607131.
Hydrolethalus syndrome 2 (HLS2). Identifiers: Orphanet 2189, MedGen C3279899, MONDO:0013585, OMIM 614120.
Inborn genetic diseases. Identifiers: MedGen C0950123, MeSH D030342.

Allele frequency attached by ClinVar (database versions not stated): gnomAD exomes 0.00006 and 0.00015; ExAC 0.00007.
gnomAD v4.1: 237 of 1,614,092 alleles (0.015%); highest among the groups gnomAD compares: Non-Finnish European, 0.019%; no homozygotes.

Submissions (4):

Fulgent Genetics
Classification: Uncertain significance for Acrocallosal syndrome; Multiple epiphyseal dysplasia, Al-Gazali type; Hydrolethalus syndrome 2. Last evaluated: 2024-05-28. Review status: criteria provided, single submitter. Criteria: ACMG Guidelines, 2015. Collection method: clinical testing. Allele origin: germline.

Labcorp Genetics (formerly Invitae), Labcorp
Classification: Uncertain significance for Acrocallosal syndrome. Last evaluated: 2024-05-22. Review status: criteria provided, single submitter. Criteria: Invitae Variant Classification Sherloc (09022015). Collection method: clinical testing. Allele origin: germline.
Comment: This sequence change replaces proline, which is neutral and non-polar, with threonine, which is neutral and polar, at codon 581 of the KIF7 protein (p.Pro581Thr). This variant is present in population databases (rs769897141, gnomAD 0.01%). This variant has not been reported in the literature in individuals affected with KIF7-related conditions. ClinVar contains an entry for this variant (Variation ID: 1467260). Advanced modeling of protein sequence and biophysical properties (such as structural, functional, and spatial information, amino acid conservation, physicochemical variation, residue mobility, and thermodynamic stability) performed at Invitae indicates that this missense variant is not expected to disrupt KIF7 protein function with a negative predictive value of 80%. In summary, the available evidence is currently insufficient to determine the role of this variant in disease. Therefore, it has been classified as a Variant of Uncertain Significance.

Blueprint Genetics
Classification: Uncertain significance. Last evaluated: 2023-09-22. Review status: criteria provided, single submitter. Criteria: ACMG Guidelines, 2015. Collection method: clinical testing. Allele origin: germline.

Ambry Genetics
Classification: Uncertain significance for Inborn genetic diseases. Last evaluated: 2021-03-30. Review status: criteria provided, single submitter. Criteria: Ambry Variant Classification Scheme 2023. Collection method: clinical testing. Allele origin: germline.
Comment: The c.1741C>A (p.P581T) alteration is located in exon 7 (coding exon 6) of the KIF7 gene. This alteration results from a C to A substitution at nucleotide position 1741, causing the proline (P) at amino acid position 581 to be replaced by a threonine (T). The p.P581T alteration is predicted to be tolerated by in silico analysis. Based on insufficient or conflicting evidence, the clinical significance of this alteration remains unclear.

NM_198525.3(KIF7):c.1741C>A (p.Pro581Thr)

Gene: KIF7 (kinesin family member 7; minus strand). Cytogenetic location: 15q26.1.
Variant type: single nucleotide variant.
Coding change: c.1741C>A on transcript NM_198525.3 (MANE Select); coding-DNA position 1741, C replaced by A.
Protein change: p.Pro581Thr; replaces proline 581 with threonine.
Molecular consequence: missense variant.
Genome position (GRCh38, 1-based): chr15:89,646,877, G>T on the plus strand (C>A on the coding strand, the complement: KIF7 is on the minus strand). VCF-style: chr15-89646877-G-T. GRCh37 (hg19) VCF-style: chr15-90190108-G-T.
Other names: c.1741C>A (NM_198525.2); short protein forms P581T.
Identifiers: ClinVar variation 1467260 (VCV001467260.8), dbSNP rs769897141, ClinGen allele CA7728472.